The following is an entry in ClinVar:

NM_015404.4(WHRN):c.1318G>A (p.Ala440Thr)

Gene: WHRN (whirlin; minus strand). Cytogenetic location: 9q32.
Variant type: single nucleotide variant.
Coding change: c.1318G>A on transcript NM_015404.4 (MANE Select); coding-DNA position 1318, G replaced by A.
Protein change: p.Ala440Thr; replaces alanine 440 with threonine.
Molecular consequence: missense variant.
Genome position (GRCh38, 1-based): chr9:114,424,432, C>T on the plus strand (G>A on the coding strand, the complement: WHRN is on the minus strand). VCF-style: chr9-114424432-C-T. GRCh37 (hg19) VCF-style: chr9-117186712-C-T.
Other names: c.169G>A, p.Ala57Thr (NM_001083885.3); c.1318G>A, p.Ala440Thr (NM_001173425.2); c.265G>A, p.Ala89Thr (NM_001346890.1); short protein forms A440T, A89T, A57T.
Identifiers: ClinVar variation 45647 (VCV000045647.29), dbSNP rs4978584, ClinGen allele CA136868.
Genomic context (GRCh38, chr9:114,424,432, plus strand): 5'-CGAGGGCCTCCACAGAGACGCTGCCACCACGGTACTCATCCAGGTAGTAGGCCATGGTGG[C>T]GTGTTCCTGCTCGTTCAGCAGGTGCCGAGCCTGCTCCTCCAGCAGCACTCGTGTCTGGTT-3'
Protein context (NP_056219.3, residues 430-450): ARHLLNEQEH[Ala440Thr]TMAYYLDEYR

ClinVar aggregate classification (germline): Benign. Review status: criteria provided, multiple submitters, no conflicts (2 of 4 stars). 11 submissions from 10 submitters: Benign (11). Last evaluated 2026-02-04.

Conditions:
Retinitis pigmentosa-deafness syndrome. Also called: Dystrophia retinae pigmentosa-dysostosis syndrome; Graefe-Usher syndrome; Hallgren syndrome; RETINITIS PIGMENTOSA 21; RETINITIS PIGMENTOSA 8; Retinitis pigmentosa 8, formerly. Identifiers: MedGen C5779620, MONDO:0010775, OMIM 500004.
Usher syndrome type 2D. Also called: USHER SYNDROME, TYPE IID. Identifiers: Orphanet 231178, Orphanet 886, MedGen C1568249, MONDO:0012662, OMIM 611383.
Autosomal recessive nonsyndromic hearing loss 31. Also called: WHIRLER, MOUSE, HOMOLOG OF. Identifiers: Orphanet 90636, MedGen C1846839, MONDO:0011767, OMIM 607084.

Allele frequency attached by ClinVar (database versions not stated): 1000 Genomes Project 30x 0.22564; ExAC 0.25299; ESP Exome Variant Server 0.17999; TOPMed 0.20076; gnomAD 0.19569 and 0.20165; 1000 Genomes Project 0.22823; gnomAD exomes 0.26163.
gnomAD v4.1: 374,047 of 1,613,244 alleles (23%); highest among the groups gnomAD compares: Admixed American, 38%; 46,248 homozygotes.

Submissions (11):

Labcorp Genetics (formerly Invitae), Labcorp
Classification: Benign. Last evaluated: 2026-02-04. Review status: criteria provided, single submitter. Criteria: Invitae Variant Classification Sherloc (09022015). Collection method: clinical testing. Allele origin: germline.

Genome-Nilou Lab
Classification: Benign for Autosomal recessive nonsyndromic hearing loss 31. Last evaluated: 2021-07-30. Review status: criteria provided, single submitter. Criteria: ACMG Guidelines, 2015. Collection method: clinical testing. Allele origin: germline. Affected: no.

Mayo Clinic Laboratories, Mayo Clinic
Classification: Benign. Last evaluated: 2020-12-07. Review status: criteria provided, single submitter. Criteria: ACMG Guidelines, 2015. Collection method: clinical testing. Allele origin: germline. Observed: 68 variant alleles.

Mendelics
Classification: Benign for Retinitis pigmentosa-deafness syndrome. Last evaluated: 2019-05-28. Review status: criteria provided, single submitter. Criteria: Mendelics Assertion Criteria 2017. Collection method: clinical testing. Allele origin: unknown.

Illumina Laboratory Services, Illumina
Classification: Benign for Autosomal recessive nonsyndromic hearing loss 31. Last evaluated: 2018-01-12. Review status: criteria provided, single submitter. Criteria: ICSL Variant Classification Criteria 13 December 2019. Collection method: clinical testing. Allele origin: germline.
Comment: This variant was observed in the ICSL laboratory as part of a predisposition screen in an ostensibly healthy population. It had not been previously curated by ICSL or reported in the Human Gene Mutation Database (HGMD: prior to June 1st, 2018), and was therefore a candidate for classification through an automated scoring system. Utilizing variant allele frequency, disease prevalence and penetrance estimates, and inheritance mode, an automated score was calculated to assess if this variant is too frequent to cause the disease. Based on the score and internal cut-off values, a variant classified as benign is not then subjected to further curation. The score for this variant resulted in a classification of benign for this disease.

Illumina Laboratory Services, Illumina
Classification: Benign for Usher syndrome type 2D. Last evaluated: 2018-01-12. Review status: criteria provided, single submitter. Criteria: ICSL Variant Classification Criteria 13 December 2019. Collection method: clinical testing. Allele origin: germline.
Comment: the same text as in the submission from Illumina Laboratory Services, Illumina above.

PreventionGenetics, part of Exact Sciences
Classification: Benign. Last evaluated: 2016-02-26. Review status: criteria provided, single submitter. Criteria: ACMG Guidelines, 2015. Collection method: clinical testing. Allele origin: germline.

GeneDx
Classification: Benign. Last evaluated: 2015-03-03. Review status: criteria provided, single submitter. Criteria: GeneDx Variant Classification Process June 2021. Collection method: clinical testing. Allele origin: germline. Affected: yes.

Eurofins Ntd Llc (ga)
Classification: Benign. Last evaluated: 2013-11-11. Review status: criteria provided, single submitter. Criteria: EGL Classification Definitions 2015. Collection method: clinical testing. Allele origin: germline. Observed: 1 variant allele, 1 heterozygote.

Laboratory for Molecular Medicine, Mass General Brigham Personalized Medicine
Classification: Benign. Last evaluated: 2009-06-12. Review status: criteria provided, single submitter. Criteria: LMM Criteria. Collection method: clinical testing. Allele origin: germline. Observed: 847 variant alleles.

Breakthrough Genomics
Classification: Benign. Review status: criteria provided, single submitter. Criteria: ACMG Guidelines, 2015. Collection method: not provided. Allele origin: germline. Inheritance: Autosomal recessive inheritance. Affected: yes.